The following is an entry in ClinVar:

NM_002878.4(RAD51D):c.9G>A (p.Val3=)

Genes: RAD51L3-RFFL (RAD51L3-RFFL readthrough; minus strand), RAD51D (RAD51 paralog D; minus strand). Cytogenetic location: 17q12.
Variant type: single nucleotide variant.
Coding change: c.9G>A on transcript NM_002878.4 (MANE Select); coding-DNA position 9, G replaced by A.
Protein change: p.Val3=; no amino-acid change (valine 3 retained).
Molecular consequence: synonymous variant. On other transcripts: non-coding transcript variant (2).
Genome position (GRCh38, 1-based): chr17:35,119,605, C>T on the plus strand (G>A on the coding strand, the complement: RAD51D is on the minus strand). VCF-style: chr17-35119605-C-T. GRCh37 (hg19) VCF-style: chr17-33446624-C-T.
Other names: c.9G>A, p.Val3= (NM_001142571.2, NM_133629.3).
Identifiers: ClinVar variation 3222897 (VCV003222897.2), dbSNP rs2142481028, ClinGen allele CA499732555.

ClinVar aggregate classification (germline): Benign/Likely benign. Review status: criteria provided, multiple submitters, no conflicts (2 of 4 stars). 2 submissions from 2 submitters: Benign (1); Likely benign (1). Last evaluated 2025-02-19.

Conditions:
Hereditary cancer-predisposing syndrome. Also called: Tumor predisposition; Hereditary neoplastic syndrome; Hereditary Cancer Syndrome; Neoplastic Syndromes, Hereditary. Identifiers: Orphanet 140162, MedGen C0027672, MeSH D009386, MONDO:0015356.
Breast-ovarian cancer, familial, susceptibility to, 4. Identifiers: Orphanet 145, MedGen C3280345, MONDO:0013669, OMIM 614291.

Submissions (2):

Myriad Genetics, Inc.
Classification: Benign for Breast-ovarian cancer, familial, susceptibility to, 4. Last evaluated: 2025-02-19. Review status: criteria provided, single submitter. Criteria: Myriad Autosomal Dominant, Autosomal Recessive and X-Linked Classification Criteria (2023). Collection method: clinical testing. Allele origin: unknown.
Comment: This variant is considered benign. This variant is a silent/synonymous amino acid change and it is not expected to impact splicing.

Ambry Genetics
Classification: Likely benign for Hereditary cancer-predisposing syndrome. Last evaluated: 2024-03-07. Review status: criteria provided, single submitter. Criteria: Ambry Variant Classification Scheme 2023. Collection method: clinical testing. Allele origin: germline.